The following is an entry in ClinVar:

NM_000810.4(GABRA5):c.1058G>T (p.Gly353Val)

Gene: GABRA5 (gamma-aminobutyric acid type A receptor subunit alpha5; plus strand). Cytogenetic location: 15q12.
Variant type: single nucleotide variant.
Coding change: c.1058G>T on transcript NM_000810.4 (MANE Select); coding-DNA position 1058, G replaced by T.
Protein change: p.Gly353Val; replaces glycine 353 with valine.
Molecular consequence: missense variant.
Genome position (GRCh38, 1-based): chr15:26,943,395, G>T. VCF-style: chr15-26943395-G-T. GRCh37 (hg19) VCF-style: chr15-27188542-G-T.
Other names: c.1058G>T, p.Gly353Val (NM_001165037.2); short protein forms G353V.
Identifiers: ClinVar variation 1334695 (VCV001334695.4), dbSNP rs1437683141, ClinGen allele CA391462163.

ClinVar aggregate classification (germline): Uncertain significance (1 of 4 stars; one submission).

Allele frequency attached by ClinVar (database versions not stated): TOPMed below 0.00001.

Submission:

Greenwood Genetic Center Diagnostic Laboratories, Greenwood Genetic Center
Classification: Uncertain significance. Last evaluated: 2021-12-03. Review status: criteria provided, single submitter. Criteria: ACMG Guidelines, 2015. Collection method: clinical testing. Allele origin: germline. Affected: yes.
Comment: PP2, PP3, PM2